The following is an entry in ClinVar:

NM_016955.4(SEPSECS):c.1297T>C (p.Tyr433His)

Gene: SEPSECS (Sep (O-phosphoserine) tRNA:Sec (selenocysteine) tRNA synthase; minus strand). Cytogenetic location: 4p15.2.
Variant type: single nucleotide variant.
Coding change: c.1297T>C on transcript NM_016955.4 (MANE Select); coding-DNA position 1297, T replaced by C.
Protein change: p.Tyr433His; replaces tyrosine 433 with histidine.
Molecular consequence: missense variant.
Genome position (GRCh38, 1-based): chr4:25,124,140, A>G on the plus strand (T>C on the coding strand, the complement: SEPSECS is on the minus strand). VCF-style: chr4-25124140-A-G. GRCh37 (hg19) VCF-style: chr4-25125762-A-G.
Other names: p.Tyr433His; p.Y433H; c.1552T>C, p.Tyr518His (NM_001410714.1); short protein forms Y433H, Y518H.
Identifiers: ClinVar variation 4884333 (VCV004884333.1).
Genomic context (GRCh38, chr4:25,124,140, plus strand): 5'-TCTTTATGAACAGGTCCACATCCTGCATCTTCATTCCGATGGCTGATGCAGCATTGAGGT[A>G]AGCACAAGGGTAATTATTTGTATGTGACATAAAGCCTCTGAAAGTATAGCCACTCACAGT-3'
Protein context (NP_058651.3, residues 423-443): MSHTNNYPCA[Tyr433His]LNAASAIGMK

ClinVar aggregate classification (germline): Likely pathogenic (1 of 4 stars; one submission).

Conditions:
Pontocerebellar hypoplasia type 2D (PCH2D). Also called: Progressive cerebello-cerebral atrophy. Identifiers: Orphanet 247198, Orphanet 2524, MedGen C3151140, MONDO:0013438, OMIM 613811.

Submission:

Clinical Genetics Laboratory, Universite de Sherbrooke
Classification: Likely pathogenic for Pontocerebellar hypoplasia type 2D. Last evaluated: 2021-03-01. Review status: criteria provided, single submitter. Criteria: ACMG Guidelines, 2015. Collection method: curation. Allele origin: germline. Affected: yes.
Comment: Reported in compound heterozygosity with SEPSECS c.865C>T; p.Pro289Ser in an affected individual with SEPSECS-related disease presenting with complex movement disorder and thin corpus callosum. Both variants were predicted to be deleterious by multiple in silico tools and were interpreted as pathogenic in the original report (PMID:35252561).

Literature cited by the submitters: PubMed 35252561.